The following is an entry in ClinVar:

ClinVar aggregate classification (germline): Uncertain significance (1 of 4 stars; one submission).

Conditions:
Severe X-linked myotubular myopathy (CNMX). Also called: X-linked centronuclear myopathy; MYOTUBULAR MYOPATHY 1; Myotubular myopathy, X-linked. Identifiers: Orphanet 596, MedGen C0410203, MONDO:0010683, OMIM 310400.

Submission:

Labcorp Genetics (formerly Invitae), Labcorp
Classification: Uncertain significance for Severe X-linked myotubular myopathy. Last evaluated: 2020-03-06. Review status: criteria provided, single submitter. Criteria: Invitae Variant Classification Sherloc (09022015). Collection method: clinical testing. Allele origin: germline.
Comment: In summary, the available evidence is currently insufficient to determine the role of this variant in disease. Therefore, it has been classified as a Variant of Uncertain Significance. Algorithms developed to predict the effect of missense changes on protein structure and function are either unavailable or do not agree on the potential impact of this missense change (SIFT: "Deleterious"; PolyPhen-2: "Probably Damaging"; Align-GVGD: "Class C0"). This variant has not been reported in the literature in individuals with MTM1-related conditions. This variant is not present in population databases (ExAC no frequency). This sequence change replaces valine with glutamic acid at codon 535 of the MTM1 protein (p.Val535Glu). The valine residue is moderately conserved and there is a moderate physicochemical difference between valine and glutamic acid.

NM_000252.3(MTM1):c.1604T>A (p.Val535Glu)

Gene: MTM1 (myotubularin 1; plus strand). Cytogenetic location: Xq28.
Variant type: single nucleotide variant.
Coding change: c.1604T>A on transcript NM_000252.3 (MANE Select); coding-DNA position 1604, T replaced by A.
Protein change: p.Val535Glu; replaces valine 535 with glutamic acid.
Molecular consequence: missense variant.
Genome position (GRCh38, 1-based): chrX:150,663,569, T>A. VCF-style: chrX-150663569-T-A. GRCh37 (hg19) VCF-style: chrX-149832042-T-A.
Other names: c.1604T>A, p.Val535Glu (NM_001376906.1, NM_001376908.1); c.1493T>A, p.Val498Glu (NM_001376907.1); short protein forms V498E, V535E.
Identifiers: ClinVar variation 1052826 (VCV001052826.10), dbSNP rs2148515723, ClinGen allele CA415260412.